The following is an entry in ClinVar:

NM_001034853.2(RPGR):c.971A>G (p.His324Arg)

Gene: RPGR (retinitis pigmentosa GTPase regulator; minus strand). Cytogenetic location: Xp11.4.
Variant type: single nucleotide variant.
Coding change: c.971A>G on transcript NM_001034853.2 (MANE Select); coding-DNA position 971, A replaced by G.
Protein change: p.His324Arg; replaces histidine 324 with arginine.
Molecular consequence: missense variant. On other transcripts: non-coding transcript variant (6).
Genome position (GRCh38, 1-based): chrX:38,301,335, T>C on the plus strand (A>G on the coding strand, the complement: RPGR is on the minus strand). VCF-style: chrX-38301335-T-C. GRCh37 (hg19) VCF-style: chrX-38160588-T-C.
Other names: c.971A>G, p.His324Arg (NM_000328.3, NM_001367246.1, NM_001367247.1 and 1 more transcripts); c.968A>G, p.His323Arg (NM_001367245.1, NM_001367249.1, NM_001367250.1); c.1001A>G, p.His334Arg (NM_001367248.1); short protein forms H324R, H334R, H323R.
Identifiers: ClinVar variation 2179881 (VCV002179881.5), dbSNP rs775245027, ClinGen allele CA10385566.
Genomic context (GRCh38, chrX:38,301,335, plus strand): 5'-GAGCACAAAGTAGGAATGAAGTGATTGGTAAAATTCTCCAGTCCAAGTCCTAATTTTCCG[T>C]GGCGACCATCTCCAAAAGTATACATAAGGCCGATATCTAAAATGCAAAAATAATGAAGAG-3'
Protein context (NP_001030025.1, residues 314-334): GLMYTFGDGR[His324Arg]GKLGLGLENF

ClinVar aggregate classification (germline): Uncertain significance. Review status: criteria provided, multiple submitters, no conflicts (2 of 4 stars). 2 submissions from 2 submitters: Uncertain significance (2). Last evaluated 2024-07-19.

Conditions:
Primary ciliary dyskinesia. Also called: Ciliary dyskinesia. Identifiers: Orphanet 244, MedGen C0008780, MONDO:0016575, HP:0012265.

Allele frequency attached by ClinVar (database versions not stated): gnomAD exomes below 0.00001; ExAC 0.00001; gnomAD 0.00005; TOPMed 0.00009.
gnomAD v4.1: 12 of 1,205,078 alleles (0.001%); highest among the groups gnomAD compares: African/African-American, 0.019%; no homozygotes.

Submissions (2):

Labcorp Genetics (formerly Invitae), Labcorp
Classification: Uncertain significance for Primary ciliary dyskinesia. Last evaluated: 2024-07-19. Review status: criteria provided, single submitter. Criteria: Invitae Variant Classification Sherloc (09022015). Collection method: clinical testing. Allele origin: germline.
Comment: This sequence change replaces histidine, which is basic and polar, with arginine, which is basic and polar, at codon 324 of the RPGR protein (p.His324Arg). This variant is present in population databases (rs775245027, gnomAD 0.02%). This variant has not been reported in the literature in individuals affected with RPGR-related conditions. ClinVar contains an entry for this variant (Variation ID: 2179881). Advanced modeling of protein sequence and biophysical properties (such as structural, functional, and spatial information, amino acid conservation, physicochemical variation, residue mobility, and thermodynamic stability) has been performed at Invitae for this missense variant, however the output from this modeling did not meet the statistical confidence thresholds required to predict the impact of this variant on RPGR protein function. In summary, the available evidence is currently insufficient to determine the role of this variant in disease. Therefore, it has been classified as a Variant of Uncertain Significance.

Blueprint Genetics
Classification: Uncertain significance. Last evaluated: 2024-05-21. Review status: criteria provided, single submitter. Criteria: ACMG Guidelines, 2015. Collection method: clinical testing. Allele origin: germline.